The following is an entry in ClinVar:

NM_206933.4(USH2A):c.1849del (p.Cys617fs)

Gene: USH2A (usherin; minus strand). Cytogenetic location: 1q41.
Variant type: Deletion.
Coding change: c.1849del on transcript NM_206933.4 (MANE Select); coding-DNA position 1849, one base deleted (T; older notation c.1849delT).
Protein change: p.Cys617fs; shifts the reading frame from cysteine 617.
Molecular consequence: frameshift variant.
Genome position (GRCh38, 1-based): chr1:216,289,402, A deleted on the plus strand (T on the coding strand, the reverse complement: USH2A is on the minus strand). VCF-style (leftmost placement, unchanged base first): chr1-216289401-CA-C. GRCh37 (hg19) VCF-style: chr1-216462743-CA-C.
Other names: c.1849del, p.Cys617fs (NM_007123.6); c.1849delT (NM_206933.2); short protein forms C617fs.
Identifiers: ClinVar variation 2679452 (VCV002679452.2), dbSNP rs1160174093, ClinGen allele CA731427241.

ClinVar aggregate classification (germline): Likely pathogenic. Review status: criteria provided, multiple submitters, no conflicts (2 of 4 stars). 2 submissions from 2 submitters: Likely pathogenic (2). Last evaluated 2024-08-08.

Conditions:
Retinitis pigmentosa 39 (RP39). Identifiers: Orphanet 791, MedGen C3151138, MONDO:0013436, OMIM 613809.
Usher syndrome type 2A. Also called: RETINAL DISEASE IN USHER SYNDROME TYPE IIA, MODIFIER OF; USHER SYNDROME, TYPE IIA. Identifiers: Orphanet 231178, Orphanet 886, MedGen C1848634, MONDO:0010169, OMIM 276901.

Allele frequency attached by ClinVar (database versions not stated): gnomAD 0.00001; TOPMed 0.00001.

Submissions (2):

Natera, Inc.
Classification: Likely pathogenic for Usher syndrome type 2A. Last evaluated: 2024-08-08. Review status: criteria provided, single submitter. Criteria: Natera Variant Classification Schema (03/2026). Collection method: clinical testing. Allele origin: germline.
Comment: The c.1849delT variant in USH2A is a frameshift variant predicted to shift the reading frame beginning at codon 617 and leads to a stop codon 19 codons downstream. This variant is expected to result in nonsense mediated decay, truncation, or a dysfunctional protein product. This variant is rare in the general population with a frequency below the threshold expected for the associated phenotype(s). Given the available evidence, this variant is classified as Likely Pathogenic.

Baylor Genetics
Classification: Likely pathogenic for Retinitis pigmentosa 39. Last evaluated: 2023-10-06. Review status: criteria provided, single submitter. Criteria: ACMG Guidelines, 2015. Collection method: clinical testing. Allele origin: unknown.